The following is an entry in ClinVar:

ClinVar aggregate classification (germline): Uncertain significance. Review status: criteria provided, multiple submitters, no conflicts (2 of 4 stars). 9 submissions from 9 submitters: Uncertain significance (9). Last evaluated 2026-01-06.

Conditions:
Congenital multicore myopathy with external ophthalmoplegia (CMYO1B). Also called: MULTIMINICORE DISEASE WITH EXTERNAL OPHTHALMOPLEGIA; MULTICORE MYOPATHY; Minicore myopathy with external ophthalmoplegia; Congenital myopathy 1B, autosomal recessive; Minicore myopathy. Identifiers: Orphanet 598, Orphanet 98905, MedGen C1850674, MONDO:0009712, OMIM 255320, HP:0003789.
King Denborough syndrome (KDS). Identifiers: MedGen C1840365, MONDO:0020485, OMIM 619542.
Central core myopathy (CMYO1A). Also called: CONGENITAL MYOPATHY 1A, AUTOSOMAL DOMINANT, WITH SUSCEPTIBILITY TO MALIGNANT HYPERTHERMIA; Central core disease; Myopathy, central fibrillar. Identifiers: Orphanet 597, MedGen C5830701, MONDO:0007294, OMIM 117000.
Malignant hyperthermia, susceptibility to, 1 (MHS1). Also called: RYR1-Related Malignant Hyperthermia Susceptibility; Anesthesia related hyperthermia; Malignant hyperpyrexia; Fulminating hyperpyrexia; Pharmacogenic myopathy; Malignant hyperthermia suceptibility 1. Identifiers: Orphanet 423, MedGen C2930980, MONDO:0007783, OMIM 145600.
Congenital myopathy with fiber type disproportion. Also called: Congenital fiber-type disproportion myopathy; Congenital fiber-type disproportion. Identifiers: Orphanet 2020, MedGen C0546264, MONDO:0009711. Inheritance: all.
RYR1-related disorder. Also called: RYR1-related condition; RYR1-related disorders. Identifiers: MedGen CN239331.
Inborn genetic diseases. Identifiers: MedGen C0950123, MeSH D030342.

Allele frequency attached by ClinVar (database versions not stated): ExAC 0.00006; TOPMed 0.00012; ESP Exome Variant Server 0.00017; gnomAD 0.00013; gnomAD exomes 0.00020.
gnomAD v4.1: 572 of 1,548,164 alleles (0.037%); highest among the groups gnomAD compares: Non-Finnish European, 0.045%; 2 homozygotes.

Submissions (9):

GeneDx
Classification: Uncertain significance. Last evaluated: 2026-01-06. Review status: criteria provided, single submitter. Criteria: GeneDx Variant Classification Process June 2021. Collection method: clinical testing. Allele origin: germline.
Comment: Reported with another RYR1 variant in a proband with a movement disorder, but no other clinical information was provided and it is not known whether the variants occurred on the same (in cis) or on different (in trans) alleles (PMID: 37541188); In silico analysis suggests that this missense variant does not alter protein structure/function; This variant is associated with the following publications: (PMID: 37937776, 12668474, 37541188)

Revvity Omics, Revvity
Classification: Uncertain significance. Last evaluated: 2024-10-11. Review status: criteria provided, single submitter. Criteria: ACMG Guidelines, 2015. Collection method: clinical testing. Allele origin: germline.

Women's Health and Genetics/Laboratory Corporation of America, LabCorp
Classification: Uncertain significance. Last evaluated: 2024-06-24. Review status: criteria provided, single submitter. Criteria: LabCorp Variant Classification Summary - May 2015. Collection method: clinical testing. Allele origin: germline.
Comment: Variant summary: RYR1 c.9555G>C (p.Lys3185Asn) results in a non-conservative amino acid change in the encoded protein sequence. Three of five in-silico tools predict a damaging effect of the variant on protein function. Several computational tools predict a significant impact on normal splicing: Three predict the variant weakens a 3' acceptor site. One predict the variant no significant impact on splicing. However, these predictions have yet to be confirmed by functional studies. The variant allele was found at a frequency of 0.0002 in 152762 control chromosomes. This frequency is not significantly higher than estimated for a pathogenic variant in RYR1 causing Congenital Multicore Myopathy With External Ophthalmoplegia, allowing no conclusion about variant significance. c.9555G>C has been reported in the literature in at least one individual affected with a neurodevelopmental disorder (Sanchis-Juan_2023). These report(s) do not provide unequivocal conclusions about association of the variant with Congenital Multicore Myopathy With External Ophthalmoplegia. To our knowledge, no experimental evidence demonstrating an impact on protein function has been reported. The following publication has been ascertained in the context of this evaluation (PMID: 37541188). ClinVar contains an entry for this variant (Variation ID: 649704). Based on the evidence outlined above, the variant was classified as uncertain significance.

Blueprint Genetics
Classification: Uncertain significance. Last evaluated: 2023-12-04. Review status: criteria provided, single submitter. Criteria: ACMG Guidelines, 2015. Collection method: clinical testing. Allele origin: germline.

Color Diagnostics, LLC DBA Color Health
Classification: Uncertain significance for Malignant hyperthermia, susceptibility to, 1. Last evaluated: 2023-11-13. Review status: criteria provided, single submitter. Criteria: ACMG Guidelines, 2015. Collection method: clinical testing. Allele origin: germline.
Comment: This missense variant replaces lysine with asparagine at codon 3185 of the RYR1 protein. Computational prediction suggests that this variant may not impact protein structure and function (internally defined REVEL score threshold <= 0.6, PMID: 27666373). To our knowledge, functional studies have not been reported for this variant. This variant has not been reported in individuals affected with RYR1-related disorders in the literature. This variant has been identified in 32/184170 chromosomes in the general population by the Genome Aggregation Database (gnomAD). The available evidence is insufficient to determine the role of this variant in disease conclusively. Therefore, this variant is classified as a Variant of Uncertain Significance.

Ambry Genetics
Classification: Uncertain significance for Inborn genetic diseases. Last evaluated: 2023-03-20. Review status: criteria provided, single submitter. Criteria: Ambry Variant Classification Scheme 2023. Collection method: clinical testing. Allele origin: germline.

Labcorp Genetics (formerly Invitae), Labcorp
Classification: Uncertain significance for RYR1-related disorder. Last evaluated: 2022-06-04. Review status: criteria provided, single submitter. Criteria: Invitae Variant Classification Sherloc (09022015). Collection method: clinical testing. Allele origin: germline.
Comment: This sequence change replaces lysine, which is basic and polar, with asparagine, which is neutral and polar, at codon 3185 of the RYR1 protein (p.Lys3185Asn). This variant is present in population databases (rs201080180, gnomAD 0.03%). This variant has not been reported in the literature in individuals affected with RYR1-related conditions. ClinVar contains an entry for this variant (Variation ID: 649704). Algorithms developed to predict the effect of missense changes on protein structure and function are either unavailable or do not agree on the potential impact of this missense change (SIFT: "Deleterious"; PolyPhen-2: "Benign"; Align-GVGD: "Class C0"). Algorithms developed to predict the effect of sequence changes on RNA splicing suggest that this variant may disrupt the consensus splice site. In summary, the available evidence is currently insufficient to determine the role of this variant in disease. Therefore, it has been classified as a Variant of Uncertain Significance.

Fulgent Genetics
Classification: Uncertain significance for Central core myopathy; Malignant hyperthermia, susceptibility to, 1; Congenital myopathy 4A, autosomal dominant; Congenital multicore myopathy with external ophthalmoplegia; King Denborough syndrome. Last evaluated: 2021-09-25. Review status: criteria provided, single submitter. Criteria: ACMG Guidelines, 2015. Collection method: clinical testing. Allele origin: unknown.

CeGaT Center for Human Genetics Tuebingen
Classification: Uncertain significance. Last evaluated: 2020-10-01. Review status: criteria provided, single submitter. Criteria: CeGaT Center For Human Genetics Tuebingen Variant Classification Criteria Version 2. Collection method: clinical testing. Allele origin: germline. Affected: yes. Observed: 2 variant alleles.

Literature cited by the submitters: PubMed 37541188 (cited by Women's Health and Genetics/Laboratory Corporation of America, LabCorp).

NM_000540.3(RYR1):c.9555G>C (p.Lys3185Asn)

Gene: RYR1 (ryanodine receptor 1; plus strand). Cytogenetic location: 19q13.2.
Variant type: single nucleotide variant.
Coding change: c.9555G>C on transcript NM_000540.3 (MANE Select); coding-DNA position 9555, G replaced by C.
Protein change: p.Lys3185Asn; replaces lysine 3185 with asparagine.
Molecular consequence: missense variant.
Genome position (GRCh38, 1-based): chr19:38,516,087, G>C. VCF-style: chr19-38516087-G-C. GRCh37 (hg19) VCF-style: chr19-39006727-G-C.
Other names: c.9555G>C, p.Lys3185Asn (NM_001042723.2); short protein forms K3185N.
Identifiers: ClinVar variation 649704 (VCV000649704.54), dbSNP rs201080180, ClinGen allele CA073812.